The following is an entry in ClinVar:

NM_001371727.1(GABRB2):c.170-11T>G

Gene: GABRB2 (gamma-aminobutyric acid type A receptor subunit beta2; minus strand). Cytogenetic location: 5q34.
Variant type: single nucleotide variant.
Coding change: c.170-11T>G on transcript NM_001371727.1 (MANE Select); 11 bases into the intron before coding-DNA position 170, T replaced by G.
Molecular consequence: intron variant.
Genome position (GRCh38, 1-based): chr5:161,545,305, A>C on the plus strand (T>G on the coding strand, the complement: GABRB2 is on the minus strand). VCF-style: chr5-161545305-A-C. GRCh37 (hg19) VCF-style: chr5-160972311-A-C.
Other names: c.170-11T>G (NM_000813.3, NM_021911.3).
Identifiers: ClinVar variation 509290 (VCV000509290.1), dbSNP rs1554107760, ClinGen allele CA658796673.
Genomic context (GRCh38, chr5:161,545,305, plus strand): 5'-CATATCGATGCTGGCAATGTCAATGTTCATCCCCACAGCCACGGGGGGACCTGCAAAGCA[A>C]GACGGCCAGCCACGTGATTTCTTTGAACTTCATTCATTCTCAGCAAGAGTTATCCCTGAG-3'

ClinVar aggregate classification (germline): Likely benign (1 of 4 stars; one submission).

Submission:

GeneDx
Classification: Likely benign. Last evaluated: 2017-12-20. Review status: criteria provided, single submitter. Criteria: GeneDx Variant Classification (06012015). Collection method: clinical testing. Allele origin: germline. Affected: yes.
Comment: This variant is considered likely benign or benign based on one or more of the following criteria: it is a conservative change, it occurs at a poorly conserved position in the protein, it is predicted to be benign by multiple in silico algorithms, and/or has population frequency not consistent with disease.